The following is an entry in ClinVar:

ClinVar aggregate classification (germline): Likely pathogenic (1 of 4 stars; one submission).

Conditions:
Waardenburg syndrome type 1 (WS1). Also called: WAARDENBURG SYNDROME WITH DYSTOPIA CANTHORUM; Waardenburg Syndrome Type I. Identifiers: Orphanet 894, MedGen C1847800, MONDO:0008670, OMIM 193500.

Submission:

3billion
Classification: Likely pathogenic for Waardenburg syndrome type 1. Last evaluated: 2022-05-22. Review status: criteria provided, single submitter. Criteria: ACMG Guidelines, 2015. Collection method: clinical testing. Allele origin: germline. Affected: yes. Observed: 1 heterozygote.
Comment: Frameshift: predicted to result in a loss or disruption of normal protein function through nonsense-mediated decay (NMD) or protein truncation. Multiple pathogenic variants are reported downstream of the variant. The variant is not observed in the gnomAD v2.1.1 dataset. Therefore, this variant is classified as likely pathogenic according to the recommendation of ACMG/AMP guideline.

NM_181458.4(PAX3):c.768del (p.Lys257fs)

Gene: PAX3 (paired box 3; minus strand). Cytogenetic location: 2q36.1.
Variant type: Deletion.
Coding change: c.768del on transcript NM_181458.4 (MANE Select); coding-DNA position 768, one base deleted (G; older notation c.768delG).
Protein change: p.Lys257fs; shifts the reading frame from lysine 257.
Molecular consequence: frameshift variant.
Genome position (GRCh38, 1-based): chr2:222,232,102, C deleted on the plus strand (G on the coding strand, the reverse complement: PAX3 is on the minus strand). VCF-style (leftmost placement, unchanged base first): chr2-222232101-TC-T. GRCh37 (hg19) VCF-style: chr2-223096820-TC-T.
Other names: c.765del, p.Lys256fs (NM_001127366.3); c.768del, p.Lys257fs (NM_181457.4, NM_181459.4, NM_181460.4 and 1 more transcripts); short protein forms K256fs, K257fs.
Identifiers: ClinVar variation 1687163 (VCV001687163.1), dbSNP rs2106095025, ClinGen allele CA2573135303.
Genomic context (GRCh38, chr2:222,232,101, plus strand): 5'-GGACTGAAGTAGGACACGGAGGTTTGGGCAACAGTACCTGTACTCGGGCCTCGGTGAGCT[TC>T]GCCCTCTGGGCCAGTTCCTCCCTAGTATAAATGTCAGGGTAATGAGTTCTCTCAAAAGCA-3'